The following is an entry in ClinVar:

NM_000458.4(HNF1B):c.487C>A (p.Gln163Lys)

Gene: HNF1B (HNF1 homeobox B; minus strand). Cytogenetic location: 17q12.
Variant type: single nucleotide variant.
Coding change: c.487C>A on transcript NM_000458.4 (MANE Select); coding-DNA position 487, C replaced by A.
Protein change: p.Gln163Lys; replaces glutamine 163 with lysine.
Molecular consequence: missense variant.
Genome position (GRCh38, 1-based): chr17:37,739,497, G>T on the plus strand (C>A on the coding strand, the complement: HNF1B is on the minus strand). VCF-style: chr17-37739497-G-T. GRCh37 (hg19) VCF-style: chr17-36099488-G-T.
Other names: c.487C>A, p.Gln163Lys (NM_001165923.4, NM_001304286.2); short protein forms Q163K.
Identifiers: ClinVar variation 1385106 (VCV001385106.8), dbSNP rs2033928151, ClinGen allele CA398751272.

ClinVar aggregate classification (germline): Uncertain significance (1 of 4 stars; one submission).

Submission:

Labcorp Genetics (formerly Invitae), Labcorp
Classification: Uncertain significance. Last evaluated: 2021-06-04. Review status: criteria provided, single submitter. Criteria: Invitae Variant Classification Sherloc (09022015). Collection method: clinical testing. Allele origin: germline.
Comment: In summary, the available evidence is currently insufficient to determine the role of this variant in disease. Therefore, it has been classified as a Variant of Uncertain Significance. Advanced modeling of protein sequence and biophysical properties (such as structural, functional, and spatial information, amino acid conservation, physicochemical variation, residue mobility, and thermodynamic stability) performed at Invitae indicates that this missense variant is expected to disrupt HNF1B protein function. This variant has not been reported in the literature in individuals with HNF1B-related conditions. This variant is not present in population databases (ExAC no frequency). This sequence change replaces glutamine with lysine at codon 163 of the HNF1B protein (p.Gln163Lys). The glutamine residue is highly conserved and there is a small physicochemical difference between glutamine and lysine.